The following is an entry in ClinVar:

NM_001972.4(ELANE):c.565C>G (p.Leu189Val)

Gene: ELANE (elastase, neutrophil expressed; plus strand). Cytogenetic location: 19p13.3.
Variant type: single nucleotide variant.
Coding change: c.565C>G on transcript NM_001972.4 (MANE Select); coding-DNA position 565, C replaced by G.
Protein change: p.Leu189Val; replaces leucine 189 with valine.
Molecular consequence: missense variant.
Genome position (GRCh38, 1-based): chr19:855,762, C>G. VCF-style: chr19-855762-C-G. GRCh37 (hg19) VCF-style: chr19-855762-C-G.
Other names: short protein forms L189V.
Identifiers: ClinVar variation 4248103 (VCV004248103.1).
Genomic context (GRCh38, chr19:855,762, plus strand): 5'-CTGCAGGAGCTCAACGTGACGGTGGTGACGTCCCTCTGCCGTCGCAGCAACGTCTGCACT[C>G]TCGTGAGGGGCCGGCAGGCCGGCGTCTGTTTCGTACGTGCCCTGGGTGTCCCTCTGCTCC-3'
Protein context (NP_001963.1, residues 179-199): SLCRRSNVCT[Leu189Val]VRGRQAGVCF

ClinVar aggregate classification (germline): Uncertain significance (1 of 4 stars; one submission).

Conditions:
Inborn genetic diseases. Identifiers: MedGen C0950123, MeSH D030342.

gnomAD v4.1: 2 of 1,609,372 alleles (0.00012%); highest among the groups gnomAD compares: Non-Finnish European, 0.00017%; no homozygotes.

Submission:

Ambry Genetics
Classification: Uncertain significance for Inborn genetic diseases. Last evaluated: 2025-08-31. Review status: criteria provided, single submitter. Criteria: Ambry Variant Classification Scheme 2023. Collection method: clinical testing. Allele origin: germline.
Comment: The p.L189V variant (also known as c.565C>G), located in coding exon 4 of the ELANE gene, results from a C to G substitution at nucleotide position 565. The leucine at codon 189 is replaced by valine, an amino acid with highly similar properties. This amino acid position is conserved. In addition, the in silico prediction for this alteration is inconclusive. Based on the available evidence, the clinical significance of this variant remains unclear.